The following is an entry in ClinVar:

ClinVar aggregate classification (germline): Benign. Review status: criteria provided, multiple submitters, no conflicts (2 of 4 stars). 2 submissions from 2 submitters: Benign (2). Last evaluated 2018-06-16.

Allele frequency attached by ClinVar (database versions not stated): ESP Exome Variant Server 0.01724; gnomAD 0.01833; 1000 Genomes Project 0.01997; TOPMed 0.02142; 1000 Genomes Project 30x 0.02233.
gnomAD v4.1: 5,730 of 1,604,494 alleles (0.36%); highest among the groups gnomAD compares: African/African-American, 6.4%; 176 homozygotes.

Submissions (2):

GeneDx
Classification: Benign. Last evaluated: 2018-06-16. Review status: criteria provided, single submitter. Criteria: GeneDx Variant Classification (06012015). Collection method: clinical testing. Allele origin: germline. Affected: yes.
Comment: This variant is considered likely benign or benign based on one or more of the following criteria: it is a conservative change, it occurs at a poorly conserved position in the protein, it is predicted to be benign by multiple in silico algorithms, and/or has population frequency not consistent with disease.

Breakthrough Genomics
Classification: Benign. Review status: criteria provided, single submitter. Criteria: ACMG Guidelines, 2015. Collection method: not provided. Allele origin: germline. Inheritance: Autosomal dominant inheritance. Affected: yes.

NM_139319.3(SLC17A8):c.764-49C>T

Gene: SLC17A8 (solute carrier family 17 member 8; plus strand). Cytogenetic location: 12q23.1.
Variant type: single nucleotide variant.
Coding change: c.764-49C>T on transcript NM_139319.3 (MANE Select); 49 bases into the intron before coding-DNA position 764, C replaced by T.
Molecular consequence: intron variant.
Genome position (GRCh38, 1-based): chr12:100,402,291, C>T. VCF-style: chr12-100402291-C-T. GRCh37 (hg19) VCF-style: chr12-100796069-C-T.
Other names: c.764-49C>T (NM_001145288.2).
Identifiers: ClinVar variation 684142 (VCV000684142.2), dbSNP rs7970087, ClinGen allele CA6738845.
Genomic context (GRCh38, chr12:100,402,291, plus strand): 5'-GGTACATTACCCATTTTACCTGAAAAAAATATATATGGTAAAAATTGAAAAATTTAGAAA[C>T]GGAAGAAAATGAGACCATATAACCCAGCCTTTTCTTTTTTAACTGCAGGCATGTTTGGGA-3'